The following is an entry in ClinVar:

ClinVar aggregate classification (germline): Uncertain significance (1 of 4 stars; one submission).

Submission:

Labcorp Genetics (formerly Invitae), Labcorp
Classification: Uncertain significance. Last evaluated: 2025-01-01. Review status: criteria provided, single submitter. Criteria: Invitae Variant Classification Sherloc (09022015). Collection method: clinical testing. Allele origin: germline.
Comment: This variant, c.1500_1502del, results in the deletion of 1 amino acid(s) of the ADAMTS10 protein (p.Trp500del), but otherwise preserves the integrity of the reading frame. This variant is not present in population databases (gnomAD no frequency). This variant has not been reported in the literature in individuals affected with ADAMTS10-related conditions. Experimental studies and prediction algorithms are not available or were not evaluated, and the functional significance of this variant is currently unknown. In summary, the available evidence is currently insufficient to determine the role of this variant in disease. Therefore, it has been classified as a Variant of Uncertain Significance.

NM_030957.4(ADAMTS10):c.1497GTG[1] (p.Trp500del)

Gene: ADAMTS10 (ADAM metallopeptidase with thrombospondin type 1 motif 10; minus strand). Cytogenetic location: 19p13.2.
Variant type: Microsatellite.
Coding change: c.1497GTG[1] on transcript NM_030957.4 (MANE Select); one copy of the 3-base unit GTG starting at c.1497; the reference has two copies in a row; one copy, 3 bases deleted.
Protein change: p.Trp500del; deletes tryptophan 500.
Genome position (GRCh38, 1-based): chr19:8,592,848-8,592,850, CAC deleted on the plus strand (GTG on the coding strand, the reverse complement: ADAMTS10 is on the minus strand); deleting any 3 consecutive bases within chr19:8,592,848-8,592,853 gives the same sequence; the position shown is the placement nearest the transcript's 3' end. VCF-style (leftmost placement, unchanged base first): chr19-8592847-ACAC-A. GRCh37 (hg19) VCF-style: chr19-8657731-ACAC-A.
Other names: short protein forms W500del.
Identifiers: ClinVar variation 3728097 (VCV003728097.2).